The following is an entry in ClinVar:

NM_017760.7(NCAPG2):c.2114G>A (p.Ser705Asn)

Gene: NCAPG2 (non-SMC condensin II complex subunit G2; minus strand). Cytogenetic location: 7q36.3.
Variant type: single nucleotide variant.
Coding change: c.2114G>A on transcript NM_017760.7 (MANE Select); coding-DNA position 2114, G replaced by A.
Protein change: p.Ser705Asn; replaces serine 705 with asparagine.
Molecular consequence: missense variant. On other transcripts: non-coding transcript variant (1).
Genome position (GRCh38, 1-based): chr7:158,656,652, C>T on the plus strand (G>A on the coding strand, the complement: NCAPG2 is on the minus strand). VCF-style: chr7-158656652-C-T. GRCh37 (hg19) VCF-style: chr7-158449344-C-T.
Other names: c.2114G>A, p.Ser705Asn (NM_001281932.2, NM_001281933.2); short protein forms S705N.
Identifiers: ClinVar variation 3056899 (VCV003056899.2), dbSNP rs115631698, ClinGen allele CA4592634.

ClinVar aggregate classification (germline): Benign (0 of 4 stars; one submission).

Conditions:
NCAPG2-related disorder. Also called: NCAPG2-related condition.

Allele frequency attached by ClinVar (database versions not stated): gnomAD exomes 0.00054; ExAC 0.00165; 1000 Genomes Project 0.00539; gnomAD 0.00587; 1000 Genomes Project 30x 0.00609; ESP Exome Variant Server 0.00624; TOPMed 0.00665.
gnomAD v4.1: 1,711 of 1,614,152 alleles (0.11%); highest among the groups gnomAD compares: African/African-American, 2.1%; 10 homozygotes.

Submission:

PreventionGenetics, part of Exact Sciences
Classification: Benign for NCAPG2-related condition. Last evaluated: 2019-09-19. Review status: no assertion criteria provided. Collection method: clinical testing. Allele origin: germline.
Comment: This variant is classified as benign based on ACMG/AMP sequence variant interpretation guidelines (Richards et al. 2015 PMID: 25741868, with internal and published modifications).